The following is an entry in ClinVar:

ClinVar aggregate classification (germline): Uncertain significance (1 of 4 stars; one submission).

Conditions:
Nephronophthisis. Also called: Juvenile Nephronophthisis. Identifiers: Orphanet 655, MedGen C0687120, MONDO:0019005, HP:0000090.

Submission:

Labcorp Genetics (formerly Invitae), Labcorp
Classification: Uncertain significance for Nephronophthisis. Last evaluated: 2019-12-27. Review status: criteria provided, single submitter. Criteria: Invitae Variant Classification Sherloc (09022015). Collection method: clinical testing. Allele origin: germline.
Comment: In summary, the available evidence is currently insufficient to determine the role of this variant in disease. Therefore, it has been classified as a Variant of Uncertain Significance. Nucleotide substitutions within the consensus splice site are a relatively common cause of aberrant splicing (PMID: 17576681, 9536098). Algorithms developed to predict the effect of sequence changes on RNA splicing suggest that this variant may create or strengthen a splice site, but this prediction has not been confirmed by published transcriptional studies. This variant has not been reported in the literature in individuals with NPHP3-related conditions. This variant is not present in population databases (ExAC no frequency). This sequence change falls in intron 21 of the NPHP3 gene. It does not directly change the encoded amino acid sequence of the NPHP3 protein, but it affects a nucleotide within the consensus splice site of the intron.

Literature cited by the submitters: PubMed 17576681; PubMed 9536098.

NM_153240.5(NPHP3):c.3126-3A>C

Genes: NPHP3-ACAD11 (NPHP3-ACAD11 readthrough (NMD candidate); minus strand), NPHP3 (nephrocystin 3; minus strand). Cytogenetic location: 3q22.1.
Variant type: single nucleotide variant.
Coding change: c.3126-3A>C on transcript NM_153240.5 (MANE Select); 3 bases into the intron before coding-DNA position 3126, A replaced by C.
Molecular consequence: intron variant.
Genome position (GRCh38, 1-based): chr3:132,687,229, T>G on the plus strand (A>C on the coding strand, the complement: NPHP3 is on the minus strand). VCF-style: chr3-132687229-T-G. GRCh37 (hg19) VCF-style: chr3-132406073-T-G.
Identifiers: ClinVar variation 852358 (VCV000852358.10), dbSNP rs1939185158, ClinGen allele CA916082606.